The following is an entry in ClinVar:

NM_004006.3(DMD):c.1573G>A (p.Ala525Thr)

Gene: DMD (dystrophin; minus strand). Cytogenetic location: Xp21.1.
Variant type: single nucleotide variant.
Coding change: c.1573G>A on transcript NM_004006.3 (MANE Select); coding-DNA position 1573, G replaced by A.
Protein change: p.Ala525Thr; replaces alanine 525 with threonine.
Molecular consequence: missense variant.
Genome position (GRCh38, 1-based): chrX:32,595,786, C>T on the plus strand (G>A on the coding strand, the complement: DMD is on the minus strand). VCF-style: chrX-32595786-C-T. GRCh37 (hg19) VCF-style: chrX-32613903-C-T.
Other names: c.1549G>A, p.Ala517Thr (NM_000109.4); c.1561G>A, p.Ala521Thr (NM_004009.3); c.1204G>A, p.Ala402Thr (NM_004010.3); short protein forms A525T, A402T, A521T, A517T.
Identifiers: ClinVar variation 497234 (VCV000497234.20), dbSNP rs754158494, ClinGen allele CA10379812.

ClinVar aggregate classification (germline): Conflicting classifications of pathogenicity. Review status: criteria provided, conflicting classifications (1 of 4 stars). 7 submissions from 7 submitters: Uncertain significance (3); Likely benign (4). Last evaluated 2026-08-01.

Conditions:
Cardiovascular phenotype. Identifiers: MedGen CN230736.
Duchenne muscular dystrophy (DMD). Also called: Duchenne Muscular Dystrophy (DMD); MUSCULAR DYSTROPHY, PSEUDOHYPERTROPHIC PROGRESSIVE, DUCHENNE TYPE. Identifiers: Orphanet 98896, MedGen C0013264, MONDO:0010679, OMIM 310200.

Allele frequency attached by ClinVar (database versions not stated): ExAC 0.00001; gnomAD 0.00002; gnomAD exomes 0.00002; TOPMed 0.00002.
gnomAD v4.1: 75 of 1,208,402 alleles (0.0062%); highest among the groups gnomAD compares: Non-Finnish European, 0.0079%; no homozygotes.

Submissions (7):

CeGaT Center for Human Genetics Tuebingen
Classification: Likely benign. Last evaluated: 2026-08-01. Review status: criteria provided, single submitter. Criteria: CeGaT Center For Human Genetics Tuebingen Variant Classification Criteria Version 2. Collection method: clinical testing. Allele origin: germline. Affected: yes. Observed: 1 variant allele.
Comment: DMD: BP4, BS2

Labcorp Genetics (formerly Invitae), Labcorp
Classification: Likely benign for Duchenne muscular dystrophy. Last evaluated: 2026-01-22. Review status: criteria provided, single submitter. Criteria: Invitae Variant Classification Sherloc (09022015). Collection method: clinical testing. Allele origin: germline.

ARUP Laboratories, Molecular Genetics and Genomics, ARUP Laboratories
Classification: Uncertain significance. Last evaluated: 2025-04-16. Review status: criteria provided, single submitter. Criteria: ARUP Molecular Germline Variant Investigation Process 2024. Collection method: clinical testing. Allele origin: germline.
Comment: The DMD c.1573G>A; p.Ala525Thr variant (rs754158494), to our knowledge, is not reported in the medical literature but is reported in ClinVar (Variation ID: 497234). This variant is found in the non-Finnish European population with an allele frequency of 0.006% (6/92,511 alleles, including one hemizygote) in the Genome Aggregation Database (v2.1.1). Computational analyses are uncertain whether this variant is neutral or deleterious (REVEL: 0.203). Due to limited information, the clinical significance of this variant is uncertain at this time.

Ambry Genetics
Classification: Likely benign for Cardiovascular phenotype. Last evaluated: 2024-06-27. Review status: criteria provided, single submitter. Criteria: Ambry Variant Classification Scheme 2023. Collection method: clinical testing. Allele origin: germline.

GeneDx
Classification: Likely benign. Last evaluated: 2021-06-28. Review status: criteria provided, single submitter. Criteria: GeneDx Variant Classification Process June 2021. Collection method: clinical testing. Allele origin: germline. Affected: yes.
Comment: This variant is associated with the following publications: (PMID: 27535533)

Revvity Omics, Revvity
Classification: Uncertain significance. Last evaluated: 2021-01-25. Review status: criteria provided, single submitter. Criteria: ACMG Guidelines, 2015. Collection method: clinical testing. Allele origin: germline.

Eurofins Ntd Llc (ga)
Classification: Uncertain significance. Last evaluated: 2016-09-29. Review status: criteria provided, single submitter. Criteria: EGL Classification Definitions 2015. Collection method: clinical testing. Allele origin: germline. Observed: 1 variant allele, 1 hemizygote.